The following is an entry in ClinVar:

ClinVar aggregate classification (germline): Uncertain significance (1 of 4 stars; one submission).

Submission:

Ambry Genetics
Classification: Uncertain significance. Last evaluated: 2024-06-29. Review status: criteria provided, single submitter. Criteria: Ambry Variant Classification Scheme 2023. Collection method: clinical testing. Allele origin: germline.
Comment: The p.A8S variant (also known as c.22G>T), located in coding exon 1 of the NPAT gene, results from a G to T substitution at nucleotide position 22. The alanine at codon 8 is replaced by serine, an amino acid with similar properties. This amino acid position is conserved. In addition, the in silico prediction for this alteration is inconclusive. Based on the available evidence, the clinical significance of this variant remains unclear.

NM_002519.3(NPAT):c.22G>T (p.Ala8Ser)

Gene: NPAT (nuclear protein, coactivator of histone transcription; minus strand). Cytogenetic location: 11q22.3.
Variant type: single nucleotide variant.
Coding change: c.22G>T on transcript NM_002519.3 (MANE Select); coding-DNA position 22, G replaced by T.
Protein change: p.Ala8Ser; replaces alanine 8 with serine.
Molecular consequence: missense variant.
Genome position (GRCh38, 1-based): chr11:108,222,515, C>A on the plus strand (G>T on the coding strand, the complement: NPAT is on the minus strand). VCF-style: chr11-108222515-C-A. GRCh37 (hg19) VCF-style: chr11-108093242-C-A.
Other names: c.22G>T, p.Ala8Ser (NM_001321307.1); short protein forms A8S.
Identifiers: ClinVar variation 3407162 (VCV003407162.1).